The following is an entry in ClinVar:

NM_000059.4(BRCA2):c.10129G>C (p.Glu3377Gln)

Gene: BRCA2 (BRCA2 DNA repair associated; plus strand). Cytogenetic location: 13q13.1.
Variant type: single nucleotide variant.
Coding change: c.10129G>C on transcript NM_000059.4 (MANE Select); coding-DNA position 10129, G replaced by C.
Protein change: p.Glu3377Gln; replaces glutamic acid 3377 with glutamine.
Molecular consequence: missense variant. On other transcripts: non-coding transcript variant (1).
Genome position (GRCh38, 1-based): chr13:32,398,642, G>C. VCF-style: chr13-32398642-G-C. GRCh37 (hg19) VCF-style: chr13-32972779-G-C.
Other names: c.10033G>C, p.Glu3345Gln (NM_001406719.1); c.10078G>C, p.Glu3360Gln (NM_001406720.1); c.5197G>C, p.Glu1733Gln (NM_001406721.1); c.3712G>C, p.Glu1238Gln (NM_001406722.1); c.10129G>C, p.Glu3377Gln (NM_001432077.1); short protein forms E1238Q, E3360Q, E3377Q, E1733Q, E3345Q.
Identifiers: ClinVar variation 4628601 (VCV004628601.1).

ClinVar aggregate classification (germline): Uncertain significance (1 of 4 stars; one submission).

Conditions:
Hereditary cancer-predisposing syndrome. Also called: Neoplastic Syndromes, Hereditary; Tumor predisposition; Hereditary Cancer Syndrome; Hereditary neoplastic syndrome. Identifiers: Orphanet 140162, MedGen C0027672, MeSH D009386, MONDO:0015356.

Submission:

Ambry Genetics
Classification: Uncertain significance for Hereditary cancer-predisposing syndrome. Last evaluated: 2025-09-28. Review status: criteria provided, single submitter. Criteria: Ambry Variant Classification Scheme 2023. Collection method: clinical testing. Allele origin: germline.
Comment: The p.E3377Q variant (also known as c.10129G>C), located in coding exon 26 of the BRCA2 gene, results from a G to C substitution at nucleotide position 10129. The glutamic acid at codon 3377 is replaced by glutamine, an amino acid with highly similar properties. This amino acid position is conserved. In addition, this alteration is predicted to be tolerated by in silico analysis. Based on the available evidence, the clinical significance of this variant remains unclear.